The following is an entry in ClinVar:

NM_003242.6(TGFBR2):c.94+16260C>G

Gene: TGFBR2 (transforming growth factor beta receptor 2; plus strand). Cytogenetic location: 3p24.1.
Variant type: single nucleotide variant.
Coding change: c.94+16260C>G on transcript NM_003242.6 (MANE Select); 16260 bases into the intron after coding-DNA position 94, C replaced by G.
Molecular consequence: intron variant. On other transcripts: missense variant (5).
Genome position (GRCh38, 1-based): chr3:30,623,237, C>G. VCF-style: chr3-30623237-C-G. GRCh37 (hg19) VCF-style: chr3-30664729-C-G.
Other names: c.133C>G, p.Pro45Ala (NM_001024847.3, NM_001407126.1, NM_001407137.1 and 1 more transcripts); c.85C>G, p.Pro29Ala (NM_001407128.1); c.-151C>G (NM_001407133.1); c.-161C>G (NM_001407136.1); short protein forms P45A, P29A.
Identifiers: ClinVar variation 213911 (VCV000213911.4), dbSNP rs113474008, ClinGen allele CA323123.
Genomic context (GRCh38, chr3:30,623,237, plus strand): 5'-ATATAATTATCCTGTTTTACAGATGTGGAAATGGAGGCCCAGAAAGATGAAATCATCTGC[C>G]CCAGCTGTAATAGGACTGCCCATCCACTGAGACATAGTAAAGTATCATTAATTAATCTTT-3'

ClinVar aggregate classification (germline): Uncertain significance (1 of 4 stars; one submission).

Submission:

GeneDx
Classification: Uncertain significance. Last evaluated: 2023-06-28. Review status: criteria provided, single submitter. Criteria: GeneDx Variant Classification Process June 2021. Collection method: clinical testing. Allele origin: germline. Affected: yes.
Comment: Has not been previously published as pathogenic or benign to our knowledge; Not observed at significant frequency in large population cohorts (gnomAD); At the protein level, in silico analysis supports that this variant does not alter protein structure/function; At the mRNA level, in silico analysis is inconclusive as to whether the variant alters gene splicing. In the absence of RNA/functional studies, the actual effect of this sequence change is unknown.; Reported using an alternate transcript of the gene